The following is an entry in ClinVar:

ClinVar aggregate classification (germline): Uncertain significance (1 of 4 stars; one submission).

Conditions:
Beckwith-Wiedemann syndrome (BWS). Also called: EMG SYNDROME; Exomphalos macroglossia gigantism syndrome. Identifiers: Orphanet 116, MedGen C0004903, MONDO:0007534, OMIM 130650.

gnomAD v4.1: 4 of 1,507,902 alleles (0.00027%); highest among the groups gnomAD compares: Non-Finnish European, 0.00035%; no homozygotes.

Submission:

Labcorp Genetics (formerly Invitae), Labcorp
Classification: Uncertain significance for Beckwith-Wiedemann syndrome. Last evaluated: 2025-09-28. Review status: criteria provided, single submitter. Criteria: Invitae Variant Classification Sherloc (09022015). Collection method: clinical testing. Allele origin: germline.
Comment: This sequence change replaces threonine, which is neutral and polar, with isoleucine, which is neutral and non-polar, at codon 254 of the CDKN1C protein (p.Thr254Ile). The frequency data for this variant in the population databases is considered unreliable, as metrics indicate poor data quality at this position in the gnomAD database. This variant has not been reported in the literature in individuals affected with CDKN1C-related conditions. ClinVar contains an entry for this variant (Variation ID: 1369533). Invitae Evidence Modeling of protein sequence and biophysical properties (such as structural, functional, and spatial information, amino acid conservation, physicochemical variation, residue mobility, and thermodynamic stability) indicates that this missense variant is not expected to disrupt CDKN1C protein function with a negative predictive value of 80%. In summary, the available evidence is currently insufficient to determine the role of this variant in disease. Therefore, it has been classified as a Variant of Uncertain Significance.

NM_001122630.2(CDKN1C):c.728C>T (p.Thr243Ile)

Gene: CDKN1C (cyclin dependent kinase inhibitor 1C; minus strand). Cytogenetic location: 11p15.4.
Variant type: single nucleotide variant.
Coding change: c.728C>T on transcript NM_001122630.2 (MANE Select); coding-DNA position 728, C replaced by T.
Protein change: p.Thr243Ile; replaces threonine 243 with isoleucine.
Molecular consequence: missense variant. On other transcripts: intron variant (1).
Genome position (GRCh38, 1-based): chr11:2,884,729, G>A on the plus strand (C>T on the coding strand, the complement: CDKN1C is on the minus strand). VCF-style: chr11-2884729-G-A. GRCh37 (hg19) VCF-style: chr11-2905959-G-A.
Other names: c.761C>T, p.Thr254Ile (NM_000076.2, NM_001362474.2); c.728C>T, p.Thr243Ile (NM_001122631.2); c.255+473C>T (NM_001362475.2); short protein forms T254I, T243I.
Identifiers: ClinVar variation 1369533 (VCV001369533.8), dbSNP rs1247486281, ClinGen allele CA379145630.